The following is an entry in ClinVar:

NM_000760.4(CSF3R):c.1072-3C>T

Gene: CSF3R (colony stimulating factor 3 receptor; minus strand). Cytogenetic location: 1p34.3.
Variant type: single nucleotide variant.
Coding change: c.1072-3C>T on transcript NM_000760.4 (MANE Select); 3 bases into the intron before coding-DNA position 1072, C replaced by T.
Molecular consequence: intron variant.
Genome position (GRCh38, 1-based): chr1:36,471,649, G>A on the plus strand (C>T on the coding strand, the complement: CSF3R is on the minus strand). VCF-style: chr1-36471649-G-A. GRCh37 (hg19) VCF-style: chr1-36937250-G-A.
Other names: c.1072-3C>T (NM_156039.3, NM_172313.3, NM_000760.3).
Identifiers: ClinVar variation 2918069 (VCV002918069.6), dbSNP rs373199041, ClinGen allele CA769281.

ClinVar aggregate classification (germline): Conflicting classifications of pathogenicity. Review status: criteria provided, conflicting classifications (1 of 4 stars). 3 submissions from 3 submitters: Uncertain significance (1); Likely benign (1). 1 of the submissions does not count toward it. Last evaluated 2025-11-28.

Conditions:
Autosomal recessive severe congenital neutropenia due to CSF3R deficiency. Also called: Neutropenia, severe congenital, 7, autosomal recessive. Identifiers: Orphanet 420702, MedGen C4310764, MONDO:0014865, OMIM 617014.
CSF3R-related disorder. Also called: CSF3R-related condition.

Allele frequency attached by ClinVar (database versions not stated): ExAC 0.00001; gnomAD exomes 0.00001; TOPMed 0.00002; gnomAD 0.00003; ESP Exome Variant Server 0.00008.
gnomAD v4.1: 16 of 1,613,922 alleles (0.00099%); highest among the groups gnomAD compares: Non-Finnish European, 0.0014%; no homozygotes.

Submissions (3):

Labcorp Genetics (formerly Invitae), Labcorp
Classification: Uncertain significance for Autosomal recessive severe congenital neutropenia due to CSF3R deficiency. Last evaluated: 2025-11-28. Review status: criteria provided, single submitter. Criteria: Invitae Variant Classification Sherloc (09022015). Collection method: clinical testing. Allele origin: germline.
Comment: This sequence change falls in intron 9 of the CSF3R gene. It does not directly change the encoded amino acid sequence of the CSF3R protein. It affects a nucleotide within the consensus splice site. This variant is present in population databases (rs373199041, gnomAD 0.007%). This variant has not been reported in the literature in individuals affected with CSF3R-related conditions. ClinVar contains an entry for this variant (Variation ID: 2918069). Variants that disrupt the consensus splice site are a relatively common cause of aberrant splicing (PMID: 17576681, 9536098). Algorithms developed to predict the effect of sequence changes on RNA splicing suggest that this variant is not likely to affect RNA splicing. In summary, the available evidence is currently insufficient to determine the role of this variant in disease. Therefore, it has been classified as a Variant of Uncertain Significance.

Blueprint Genetics
Classification: Likely benign. Last evaluated: 2021-03-25. Review status: criteria provided, single submitter. Criteria: ACMG Guidelines, 2015. Collection method: clinical testing. Allele origin: germline.

PreventionGenetics, part of Exact Sciences
Classification: Likely benign for CSF3R-related condition. Last evaluated: 2023-09-11. Review status: no assertion criteria provided. Collection method: clinical testing. Allele origin: germline. Not counted in ClinVar's aggregate classification.
Comment: This variant is classified as likely benign based on ACMG/AMP sequence variant interpretation guidelines (Richards et al. 2015 PMID: 25741868, with internal and published modifications).

Literature cited by the submitters: PubMed 17576681 (cited by Labcorp Genetics (formerly Invitae), Labcorp); PubMed 9536098 (cited by Labcorp Genetics (formerly Invitae), Labcorp).